The following is an entry in ClinVar:

NM_001871.3(CPB1):c.1182C>G (p.Ile394Met)

Gene: CPB1 (carboxypeptidase B1; plus strand). Cytogenetic location: 3q24.
Variant type: single nucleotide variant.
Coding change: c.1182C>G on transcript NM_001871.3 (MANE Select); coding-DNA position 1182, C replaced by G.
Protein change: p.Ile394Met; replaces isoleucine 394 with methionine.
Molecular consequence: missense variant.
Genome position (GRCh38, 1-based): chr3:148,859,930, C>G. VCF-style: chr3-148859930-C-G. GRCh37 (hg19) VCF-style: chr3-148577717-C-G.
Other names: short protein forms I394M.
Identifiers: ClinVar variation 773139 (VCV000773139.6), dbSNP rs61733983, ClinGen allele CA2657892.
Genomic context (GRCh38, chr3:148,859,930, plus strand): 5'-CTTCACCTTTGAACTTCGAGATACAGGCAGATATGGCTTTCTCCTTCCAGAATCCCAGAT[C>G]CGGGCTACCTGCGAGGAGACCTTCCTGGCAATCAAGTATGTTGCCAGCTACGTCCTGGAA-3'
Protein context (NP_001862.2, residues 384-404): RYGFLLPESQ[Ile394Met]RATCEETFLA

ClinVar aggregate classification (germline): Benign. Review status: criteria provided, multiple submitters, no conflicts (2 of 4 stars). 3 submissions from 3 submitters: Benign (2). 1 of the submissions does not count toward it. Last evaluated 2018-02-20.

Conditions:
CPB1-related disorder. Also called: CPB1-related condition.

Allele frequency attached by ClinVar (database versions not stated): gnomAD 0.00288 and 0.00307; 1000 Genomes Project 0.00300; TOPMed 0.00311; ESP Exome Variant Server 0.00346; 1000 Genomes Project 30x 0.00359.
gnomAD v4.1: 801 of 1,614,146 alleles (0.05%); highest among the groups gnomAD compares: African/African-American, 0.98%; 4 homozygotes.

Submissions (3):

Labcorp Genetics (formerly Invitae), Labcorp
Classification: Benign. Last evaluated: 2018-02-20. Review status: criteria provided, single submitter. Criteria: Invitae Variant Classification Sherloc (09022015). Collection method: clinical testing. Allele origin: germline.

Breakthrough Genomics
Classification: Benign. Review status: criteria provided, single submitter. Criteria: ACMG Guidelines, 2015. Collection method: not provided. Allele origin: germline. Inheritance: Unknown mechanism. Affected: yes.

PreventionGenetics, part of Exact Sciences
Classification: Benign for CPB1-related condition. Last evaluated: 2019-03-06. Review status: no assertion criteria provided. Collection method: clinical testing. Allele origin: germline. Not counted in ClinVar's aggregate classification.
Comment: This variant is classified as benign based on ACMG/AMP sequence variant interpretation guidelines (Richards et al. 2015 PMID: 25741868, with internal and published modifications).